The following is an entry in ClinVar:

ClinVar aggregate classification (germline): Uncertain significance (1 of 4 stars; one submission).

Conditions:
Congenital myasthenic syndrome 4A. Also called: MYASTHENIC SYNDROME, CONGENITAL, 4A, SLOW-CHANNEL, AUTOSOMAL RECESSIVE; Myasthenic syndrome, congenital, 4a, slow-channel; CONGENITAL MYASTHENIC SYNDROME TYPE Ia1. Identifiers: Orphanet 590, MedGen C4225413, MONDO:0011600, OMIM 605809.

Allele frequency attached by ClinVar (database versions not stated): TOPMed 0.00001; gnomAD exomes 0.00002; ExAC 0.00003.

Submission:

Labcorp Genetics (formerly Invitae), Labcorp
Classification: Uncertain significance for Congenital myasthenic syndrome 4A. Last evaluated: 2025-04-13. Review status: criteria provided, single submitter. Criteria: Invitae Variant Classification Sherloc (09022015). Collection method: clinical testing. Allele origin: germline.
Comment: This sequence change replaces arginine, which is basic and polar, with tryptophan, which is neutral and slightly polar, at codon 364 of the CHRNE protein (p.Arg364Trp). The frequency data for this variant in the population databases is considered unreliable, as metrics indicate poor data quality at this position in the gnomAD database. This variant has not been reported in the literature in individuals affected with CHRNE-related conditions. ClinVar contains an entry for this variant (Variation ID: 2145001). Invitae Evidence Modeling of protein sequence and biophysical properties (such as structural, functional, and spatial information, amino acid conservation, physicochemical variation, residue mobility, and thermodynamic stability) indicates that this missense variant is not expected to disrupt CHRNE protein function with a negative predictive value of 80%. In summary, the available evidence is currently insufficient to determine the role of this variant in disease. Therefore, it has been classified as a Variant of Uncertain Significance.

NM_000080.4(CHRNE):c.1090C>T (p.Arg364Trp)

Genes: CHRNE (cholinergic receptor nicotinic epsilon subunit; minus strand), LOC130060041 (ATAC-STARR-seq lymphoblastoid silent region 8050; plus strand). Cytogenetic location: 17p13.2.
Variant type: single nucleotide variant.
Coding change: c.1090C>T on transcript NM_000080.4 (MANE Select); coding-DNA position 1090, C replaced by T.
Protein change: p.Arg364Trp; replaces arginine 364 with tryptophan.
Molecular consequence: missense variant.
Genome position (GRCh38, 1-based): chr17:4,899,327, G>A on the plus strand (C>T on the coding strand, the complement: CHRNE is on the minus strand). VCF-style: chr17-4899327-G-A. GRCh37 (hg19) VCF-style: chr17-4802622-G-A.
Other names: short protein forms R364W.
Identifiers: ClinVar variation 2145001 (VCV002145001.2), dbSNP rs747368522, ClinGen allele CA8314025.
Genomic context (GRCh38, chr17:4,899,327, plus strand): 5'-GCTCCTCCGCGCGGAGCAATAAGCCCACCGACGACGCCCGCCTTGGGGGCGAGGCGGCCC[G>A]GGGGGCCTCGGGCGGCGGCGGGGAGCCCAGGAGGCGCGGCAGCAGCTCCAGGAGAACCTG-3'
Protein context (NP_000071.1, residues 354-374): LGSPPPPEAP[Arg364Trp]AASPPRRASS